The following is an entry in ClinVar:

NM_006074.5(TRIM22):c.874+77T>C

Gene: TRIM22 (tripartite motif containing 22; plus strand). Cytogenetic location: 11p15.4.
Variant type: single nucleotide variant.
Coding change: c.874+77T>C on transcript NM_006074.5 (MANE Select); 77 bases into the intron after coding-DNA position 874, T replaced by C.
Molecular consequence: intron variant.
Genome position (GRCh38, 1-based): chr11:5,708,350, T>C. VCF-style: chr11-5708350-T-C. GRCh37 (hg19) VCF-style: chr11-5729580-T-C.
Other names: c.862+77T>C (NM_001199573.2).
Identifiers: ClinVar variation 2688206 (VCV002688206.2), dbSNP rs2291845, ClinGen allele CA16408713.

ClinVar aggregate classification (germline): Benign (1 of 4 stars; one submission).

Allele frequency attached by ClinVar (database versions not stated): 1000 Genomes Project 30x 0.13726; 1000 Genomes Project 0.13978; TOPMed 0.19944; gnomAD 0.21732.
gnomAD v4.1: 395,829 of 1,386,248 alleles (29%); highest among the groups gnomAD compares: Non-Finnish European, 33%; 60,663 homozygotes.

Submission:

Unidad de Genómica Garrahan, Hospital de Pediatría Garrahan
Classification: Benign. Last evaluated: 2024-01-24. Review status: criteria provided, single submitter. Criteria: ACMG Guidelines, 2015. Collection method: clinical testing. Allele origin: germline. Affected: no. Observed: 33 variant alleles.
Comment: This variant is classified as Benign based on local population frequency. This variant was detected in 35% of patients studied by a panel of primary immunodeficiencies. Number of patients: 33. Only high quality variants are reported.